The following is an entry in ClinVar:

NM_005235.3(ERBB4):c.1627T>A (p.Phe543Ile)

Gene: ERBB4 (erb-b2 receptor tyrosine kinase 4; minus strand). Cytogenetic location: 2q34.
Variant type: single nucleotide variant.
Coding change: c.1627T>A on transcript NM_005235.3 (MANE Select); coding-DNA position 1627, T replaced by A.
Protein change: p.Phe543Ile; replaces phenylalanine 543 with isoleucine.
Molecular consequence: missense variant.
Genome position (GRCh38, 1-based): chr2:211,673,253, A>T on the plus strand (T>A on the coding strand, the complement: ERBB4 is on the minus strand). VCF-style: chr2-211673253-A-T. GRCh37 (hg19) VCF-style: chr2-212537978-A-T.
Other names: c.1627T>A, p.Phe543Ile (NM_001042599.2); short protein forms F543I.
Identifiers: ClinVar variation 758225 (VCV000758225.12), dbSNP rs141594820, ClinGen allele CA2088065.
Genomic context (GRCh38, chr2:211,673,253, plus strand): 5'-CCATCTTCTCACACTGGGGGTCACACTCCACACAGATGGAGCCATTCTCAAACTCCCGAA[A>T]TTCACTGTGAAAACATCAGCCACATGAGGAGGTGTAAGCAAACAAGCGTCAACTTAACAA-3'
Protein context (NP_005226.1, residues 533-553): IESCNLYDGE[Phe543Ile]REFENGSICV

ClinVar aggregate classification (germline): Likely benign. Review status: criteria provided, multiple submitters, no conflicts (2 of 4 stars). 3 submissions from 3 submitters: Likely benign (2). 1 of the submissions does not count toward it. Last evaluated 2025-12-22.

Conditions:
ERBB4-related disorder. Also called: ERBB4-related condition.

Allele frequency attached by ClinVar (database versions not stated): gnomAD exomes 0.00010 and 0.00020; ExAC 0.00013; gnomAD 0.00013 and 0.00014; TOPMed 0.00015; ESP Exome Variant Server 0.00031.
gnomAD v4.1: 180 of 1,612,594 alleles (0.011%); highest among the groups gnomAD compares: Middle Eastern, 0.033%; no homozygotes.

Submissions (3):

Labcorp Genetics (formerly Invitae), Labcorp
Classification: Likely benign. Last evaluated: 2025-12-22. Review status: criteria provided, single submitter. Criteria: Invitae Variant Classification Sherloc (09022015). Collection method: clinical testing. Allele origin: germline.

Breakthrough Genomics
Classification: Likely benign. Review status: criteria provided, single submitter. Criteria: ACMG Guidelines, 2015. Collection method: not provided. Allele origin: germline. Inheritance: Autosomal dominant inheritance. Affected: yes.

PreventionGenetics, part of Exact Sciences
Classification: Likely benign for ERBB4-related condition. Last evaluated: 2020-07-28. Review status: no assertion criteria provided. Collection method: clinical testing. Allele origin: germline. Not counted in ClinVar's aggregate classification.
Comment: This variant is classified as likely benign based on ACMG/AMP sequence variant interpretation guidelines (Richards et al. 2015 PMID: 25741868, with internal and published modifications).